The following is an entry in ClinVar:

ClinVar aggregate classification (germline): Uncertain significance (1 of 4 stars; one submission).

Submission:

GeneDx
Classification: Uncertain significance. Last evaluated: 2019-12-09. Review status: criteria provided, single submitter. Criteria: GeneDx Variant Classification Process June 2021. Collection method: clinical testing. Allele origin: germline. Affected: yes.
Comment: Not observed in large population cohorts (Lek et al., 2016); Frameshift variant predicted to result in protein truncation or nonsense mediated decay in a gene for which loss-of-function is not a known mechanism of disease; Has not been previously published as pathogenic or benign to our knowledge

NM_001377229.1(DISP1):c.600_601insAT (p.Val201fs)

Gene: DISP1 (dispatched RND transporter family member 1; plus strand). Cytogenetic location: 1q41.
Variant type: Insertion.
Coding change: c.600_601insAT on transcript NM_001377229.1 (MANE Select); coding-DNA positions 600 to 601, AT inserted.
Protein change: p.Val201fs; shifts the reading frame from valine 201.
Molecular consequence: frameshift variant. On other transcripts: 5 prime UTR variant (1).
Genome position: GRCh38 VCF-style: chr1-222990685-C-CAT. GRCh37 (hg19) VCF-style: chr1-223164027-C-CAT.
Other names: c.-288_-287insAT (NM_001350630.2); c.600_601insAT, p.Val201fs (NM_001369594.1, NM_001377228.1, NM_032890.5); short protein forms V201fs.
Identifiers: ClinVar variation 1310958 (VCV001310958.2), dbSNP rs2102740901, ClinGen allele CA2573051500.
Genomic context (GRCh38, chr1:222,990,685, plus strand): 5'-TTATGCAGCCCTGATAGCCGACTGGCCGGTGGTGGTCTTGGGCATGTGCACCATGTTCAT[C>CAT]GTAGTCTGTGCCTTGGTTGGAGTATTAGTGCCAGAGCTCCCTGACTTCTCTGATCCATTG-3'